The following is an entry in ClinVar:

ClinVar aggregate classification (germline): Uncertain significance (0 of 4 stars; one submission).

Conditions:
Polycystic kidney disease. Also called: Polycystic kidney dysplasia; Kidney, Polycystic. Identifiers: MedGen C0022680, MeSH D007690, MONDO:0020642, HP:0000113.

Allele frequency attached by ClinVar (database versions not stated): gnomAD exomes below 0.00001.
gnomAD v4.1: 4 of 1,612,644 alleles (0.00025%); highest among the groups gnomAD compares: Non-Finnish European, 0.00034%; no homozygotes.

Submission:

Department of Pathology and Laboratory Medicine, Sinai Health System
Classification: Uncertain significance for Polycystic Kidney disease. Review status: no assertion criteria provided. Collection method: clinical testing. Allele origin: unknown. Affected: yes. Study: The Canadian Open Genetics Repository (COGR).
Comment: The PKD1 p.Arg4021Gln variant was not identified in the literature, nor was it identified in dbSNP, the 1000 Genomes Project, the NHLBI Exome Sequencing Project, the Exome Aggregation Consortium, GeneInsight COGR, ClinVar, Clinvitae, MutDB, ADPKD Mutation Database, PKD1-LOVD, or PKD1-LOVD 3.0. The p.Arg4021 residue is conserved across mammals but four out of five computational analyses (PolyPhen-2, SIFT, AlignGVGD, BLOSUM, MutationTaster) do not suggest a high likelihood of impact to the protein; however, this information is not predictive enough to rule out pathogenicity. The variant occurs outside of the splicing consensus sequence and in silico or computational prediction software programs (SpliceSiteFinder, MaxEntScan, NNSPLICE, GeneSplicer, HumanSpliceFinder) do not predict a difference in splicing. In summary, based on the above information, the clinical significance of this variant cannot be determined with certainty at this time. This variant is classified as a variant of uncertain significance.

NM_001009944.3(PKD1):c.12062G>A (p.Arg4021Gln)

Gene: PKD1 (polycystin 1, transient receptor potential channel interacting; minus strand). Cytogenetic location: 16p13.3.
Variant type: single nucleotide variant.
Coding change: c.12062G>A on transcript NM_001009944.3 (MANE Select); coding-DNA position 12062, G replaced by A.
Protein change: p.Arg4021Gln; replaces arginine 4021 with glutamine.
Molecular consequence: missense variant.
Genome position (GRCh38, 1-based): chr16:2,090,750, C>T on the plus strand (G>A on the coding strand, the complement: PKD1 is on the minus strand). VCF-style: chr16-2090750-C-T. GRCh37 (hg19) VCF-style: chr16-2140751-C-T.
Other names: c.12059G>A, p.Arg4020Gln (NM_000296.4); short protein forms R4020Q, R4021Q.
Identifiers: ClinVar variation 997149 (VCV000997149.1), dbSNP rs1487111123, ClinGen allele CA394327851.